The following is an entry in ClinVar:

ClinVar aggregate classification (germline): Uncertain significance (1 of 4 stars; one submission).

Conditions:
Inborn genetic diseases. Identifiers: MedGen C0950123, MeSH D030342.

Allele frequency attached by ClinVar (database versions not stated): gnomAD exomes below 0.00001; gnomAD 0.00001.
gnomAD v4.1: 7 of 1,585,372 alleles (0.00044%); highest among the groups gnomAD compares: Admixed American, 0.0071%; no homozygotes.

Submission:

Ambry Genetics
Classification: Uncertain significance for Inborn genetic diseases. Last evaluated: 2022-03-23. Review status: criteria provided, single submitter. Criteria: Ambry Variant Classification Scheme 2023. Collection method: clinical testing. Allele origin: germline.
Comment: The c.457-6C>T intronic alteration consists of a C to T substitution 6 nucleotides before exon 7 (coding exon 4) of the KDM6B gene. Based on insufficient or conflicting evidence, the clinical significance of this alteration remains unclear.

NM_001348716.2(KDM6B):c.457-6C>T

Gene: KDM6B (lysine demethylase 6B; plus strand). Cytogenetic location: 17p13.1.
Variant type: single nucleotide variant.
Coding change: c.457-6C>T on transcript NM_001348716.2 (MANE Select); 6 bases into the intron before coding-DNA position 457, C replaced by T.
Molecular consequence: intron variant.
Genome position (GRCh38, 1-based): chr17:7,846,394, C>T. VCF-style: chr17-7846394-C-T. GRCh37 (hg19) VCF-style: chr17-7749712-C-T.
Other names: c.457-6C>T (NM_001080424.2).
Identifiers: ClinVar variation 2272102 (VCV002272102.2), dbSNP rs776452737, ClinGen allele CA8360216.